The following is an entry in ClinVar:

NM_001379291.1(BRD4):c.1570C>G (p.Gln524Glu)

Gene: BRD4 (bromodomain containing 4; minus strand). Cytogenetic location: 19p13.12.
Variant type: single nucleotide variant.
Coding change: c.1570C>G on transcript NM_001379291.1 (MANE Select); coding-DNA position 1570, C replaced by G.
Protein change: p.Gln524Glu; replaces glutamine 524 with glutamic acid.
Molecular consequence: missense variant.
Genome position (GRCh38, 1-based): chr19:15,256,245, G>C on the plus strand (C>G on the coding strand, the complement: BRD4 is on the minus strand). VCF-style: chr19-15256245-G-C. GRCh37 (hg19) VCF-style: chr19-15367056-G-C.
Other names: c.1570C>G, p.Gln524Glu (NM_001330384.2, NM_001379292.1, NM_014299.3 and 1 more transcripts); short protein forms Q524E.
Identifiers: ClinVar variation 4087936 (VCV004087936.1).
Genomic context (GRCh38, chr19:15,256,245, plus strand): 5'-TCTTGTCTTTCTCCTTTTTCTTTGGTTTGTTCTGCTGGGGCTGAGAGAGGGCTGCAAGCT[G>C]CTCGTGCACGGCTTTGAGCTGTAGACCAGACAGGCAAGACACACACTCAGGGCTGAAACC-3'
Protein context (NP_001366220.1, residues 514-534): LQEQLKAVHE[Gln524Glu]LAALSQPQQN

ClinVar aggregate classification (germline): Uncertain significance (1 of 4 stars; one submission).

Submission:

GeneDx
Classification: Uncertain significance. Last evaluated: 2025-03-25. Review status: criteria provided, single submitter. Criteria: GeneDx Variant Classification Process June 2021. Collection method: clinical testing. Allele origin: germline. Affected: yes.
Comment: Not observed at significant frequency in large population cohorts (gnomAD); In silico analysis supports that this missense variant has a deleterious effect on protein structure/function; Has not been previously published as pathogenic or benign to our knowledge